The following is an entry in ClinVar:

ClinVar aggregate classification (germline): Uncertain significance. Review status: criteria provided, multiple submitters, no conflicts (2 of 4 stars). 2 submissions from 2 submitters: Uncertain significance (2). Last evaluated 2025-11-16.

Allele frequency attached by ClinVar (database versions not stated): ExAC 0.00007; ESP Exome Variant Server 0.00015; gnomAD 0.00003; gnomAD exomes 0.00005; TOPMed 0.00003.
gnomAD v4.1: 82 of 1,613,838 alleles (0.0051%); highest among the groups gnomAD compares: Non-Finnish European, 0.0066%; no homozygotes.

Submissions (2):

Labcorp Genetics (formerly Invitae), Labcorp
Classification: Uncertain significance. Last evaluated: 2025-11-16. Review status: criteria provided, single submitter. Criteria: Invitae Variant Classification Sherloc (09022015). Collection method: clinical testing. Allele origin: germline.
Comment: This sequence change replaces glutamic acid, which is acidic and polar, with alanine, which is neutral and non-polar, at codon 246 of the BUB1 protein (p.Glu246Ala). This variant is present in population databases (rs141402336, gnomAD 0.01%). This variant has not been reported in the literature in individuals affected with BUB1-related conditions. ClinVar contains an entry for this variant (Variation ID: 2464702). Experimental studies and prediction algorithms are not available or were not evaluated, and the functional significance of this variant is currently unknown. In summary, the available evidence is currently insufficient to determine the role of this variant in disease. Therefore, it has been classified as a Variant of Uncertain Significance.

Ambry Genetics
Classification: Uncertain significance. Last evaluated: 2023-12-07. Review status: criteria provided, single submitter. Criteria: Ambry Variant Classification Scheme 2023. Collection method: clinical testing. Allele origin: germline.

NM_004336.5(BUB1):c.737A>C (p.Glu246Ala)

Gene: BUB1 (BUB1 mitotic checkpoint serine/threonine kinase; minus strand). Cytogenetic location: 2q13.
Variant type: single nucleotide variant.
Coding change: c.737A>C on transcript NM_004336.5 (MANE Select); coding-DNA position 737, A replaced by C.
Protein change: p.Glu246Ala; replaces glutamic acid 246 with alanine.
Molecular consequence: missense variant.
Genome position (GRCh38, 1-based): chr2:110,667,589, T>G on the plus strand (A>C on the coding strand, the complement: BUB1 is on the minus strand). VCF-style: chr2-110667589-T-G. GRCh37 (hg19) VCF-style: chr2-111425166-T-G.
Other names: c.677A>C, p.Glu226Ala (NM_001278616.2); c.737A>C, p.Glu246Ala (NM_001278617.2); short protein forms E226A, E246A.
Identifiers: ClinVar variation 2464702 (VCV002464702.5), dbSNP rs141402336, ClinGen allele CA1828257.